The following is an entry in ClinVar:

ClinVar aggregate classification (germline): Uncertain significance (1 of 4 stars; one submission).

Conditions:
KMT2E-related disorder. Also called: KMT2E-related condition.

gnomAD v4.1: 1 of 1,613,010 alleles (0.000062%); highest among the groups gnomAD compares: Non-Finnish European, 0.000085%; no homozygotes.

Submission:

PreventionGenetics, part of Exact Sciences
Classification: Uncertain significance for KMT2E-related condition. Last evaluated: 2026-03-25. Review status: criteria provided, single submitter. Criteria: ACMG Guidelines, 2015. Collection method: clinical testing. Allele origin: germline.
Comment: The KMT2E c.4612A>G variant is predicted to result in the amino acid substitution p.Ser1538Gly. To our knowledge, this variant has not been reported in the literature or in a large population database (gnomAD), indicating this variant is rare. At this time, the clinical significance of this variant is uncertain due to the absence of conclusive functional and genetic evidence.

NM_182931.3(KMT2E):c.4612A>G (p.Ser1538Gly)

Gene: KMT2E (lysine methyltransferase 2E (inactive); plus strand). Cytogenetic location: 7q22.3.
Variant type: single nucleotide variant.
Coding change: c.4612A>G on transcript NM_182931.3 (MANE Select); coding-DNA position 4612, A replaced by G.
Protein change: p.Ser1538Gly; replaces serine 1538 with glycine.
Molecular consequence: missense variant.
Genome position (GRCh38, 1-based): chr7:105,112,368, A>G. VCF-style: chr7-105112368-A-G. GRCh37 (hg19) VCF-style: chr7-104752815-A-G.
Other names: c.4486A>G, p.Ser1496Gly (NM_001410908.1); c.4612A>G, p.Ser1538Gly (NM_018682.4); short protein forms S1496G, S1538G.
Identifiers: ClinVar variation 4992451 (VCV004992451.1).